The following is an entry in ClinVar:

ClinVar aggregate classification (germline): Uncertain significance (1 of 4 stars; one submission).

Conditions:
Charcot-Marie-Tooth disease type 4. Also called: Charcot-Marie-Tooth disease, type IV; Charcot-Marie-Tooth, Type 4. Identifiers: Orphanet 64749, MedGen C4082197, MONDO:0018995.

Submission:

Labcorp Genetics (formerly Invitae), Labcorp
Classification: Uncertain significance for Charcot-Marie-Tooth disease type 4. Last evaluated: 2022-08-03. Review status: criteria provided, single submitter. Criteria: Invitae Variant Classification Sherloc (09022015). Collection method: clinical testing. Allele origin: germline.
Comment: In summary, the available evidence is currently insufficient to determine the role of this variant in disease. Therefore, it has been classified as a Variant of Uncertain Significance. Algorithms developed to predict the effect of missense changes on protein structure and function (SIFT, PolyPhen-2, Align-GVGD) all suggest that this variant is likely to be tolerated. This variant is not present in population databases (gnomAD no frequency). This sequence change replaces serine, which is neutral and polar, with threonine, which is neutral and polar, at codon 243 of the SBF2 protein (p.Ser243Thr). This variant has not been reported in the literature in individuals affected with SBF2-related conditions.

NM_030962.4(SBF2):c.727T>A (p.Ser243Thr)

Gene: SBF2 (SET binding factor 2; minus strand). Cytogenetic location: 11p15.4.
Variant type: single nucleotide variant.
Coding change: c.727T>A on transcript NM_030962.4 (MANE Select); coding-DNA position 727, T replaced by A.
Protein change: p.Ser243Thr; replaces serine 243 with threonine.
Molecular consequence: missense variant.
Genome position (GRCh38, 1-based): chr11:10,002,582, A>T on the plus strand (T>A on the coding strand, the complement: SBF2 is on the minus strand). VCF-style: chr11-10002582-A-T. GRCh37 (hg19) VCF-style: chr11-10024129-A-T.
Other names: c.727T>A, p.Ser243Thr (NM_001386339.1, NM_001386342.1); short protein forms S243T.
Identifiers: ClinVar variation 2091975 (VCV002091975.4), dbSNP rs2496189611, ClinGen allele CA379643392.